The following is an entry in ClinVar:

ClinVar aggregate classification (germline): Likely benign. Review status: no assertion criteria provided (0 of 4 stars). 2 submissions from 2 submitters: Likely benign (2). Last evaluated 2022-06-13.

Conditions:
RBBP6-related disorder. Also called: RBBP6-related condition.

Allele frequency attached by ClinVar (database versions not stated): 1000 Genomes Project 30x 0.00187; 1000 Genomes Project 0.00240; ExAC 0.00241; ESP Exome Variant Server 0.00262; gnomAD 0.00268; TOPMed 0.00291; gnomAD exomes 0.00382.
gnomAD v4.1: 6,001 of 1,614,068 alleles (0.37%); highest among the groups gnomAD compares: Non-Finnish European, 0.45%; 16 homozygotes.

Submissions (2):

Genetic Services Laboratory, University of Chicago
Classification: Likely benign. Last evaluated: 2022-06-13. Review status: no assertion criteria provided. Collection method: clinical testing. Allele origin: germline. Affected: no.

PreventionGenetics, part of Exact Sciences
Classification: Likely benign for RBBP6-related condition. Last evaluated: 2022-05-10. Review status: no assertion criteria provided. Collection method: clinical testing. Allele origin: germline.
Comment: This variant is classified as likely benign based on ACMG/AMP sequence variant interpretation guidelines (Richards et al. 2015 PMID: 25741868, with internal and published modifications).

NM_006910.5(RBBP6):c.4311A>G (p.Gln1437=)

Gene: RBBP6 (RB binding protein 6, ubiquitin ligase; plus strand). Cytogenetic location: 16p12.1.
Variant type: single nucleotide variant.
Coding change: c.4311A>G on transcript NM_006910.5 (MANE Select); coding-DNA position 4311, A replaced by G.
Protein change: p.Gln1437=; no amino-acid change (glutamine 1437 retained).
Molecular consequence: synonymous variant.
Genome position (GRCh38, 1-based): chr16:24,571,377, A>G. VCF-style: chr16-24571377-A-G. GRCh37 (hg19) VCF-style: chr16-24582698-A-G.
Other names: c.4209A>G, p.Gln1403= (NM_018703.4).
Identifiers: ClinVar variation 2443234 (VCV002443234.4), dbSNP rs141921137, ClinGen allele CA7967917.
Genomic context (GRCh38, chr16:24,571,377, plus strand): 5'-AAAGAGGAAGAACAGCACTCAGCCAGAGAAAGAGAGTAATTTGGACCGTCTGAATGAACA[A>G]GGAAATTTTAAAAGTCTGTCTCAATCTTCCAAAGAGGCTAGAACGTCAGATAAACATGAT-3'
Protein context (NP_008841.2, residues 1427-1447): KESNLDRLNE[Gln1437=]GNFKSLSQSS